The following is an entry in ClinVar:

NM_022726.4(ELOVL4):c.923A>G (p.Asn308Ser)

Gene: ELOVL4 (ELOVL fatty acid elongase 4; minus strand). Cytogenetic location: 6q14.1.
Variant type: single nucleotide variant.
Coding change: c.923A>G on transcript NM_022726.4 (MANE Select); coding-DNA position 923, A replaced by G.
Protein change: p.Asn308Ser; replaces asparagine 308 with serine.
Molecular consequence: missense variant.
Genome position (GRCh38, 1-based): chr6:79,916,630, T>C on the plus strand (A>G on the coding strand, the complement: ELOVL4 is on the minus strand). VCF-style: chr6-79916630-T-C. GRCh37 (hg19) VCF-style: chr6-80626347-T-C.
Other names: short protein forms N308S.
Identifiers: ClinVar variation 4776806 (VCV004776806.1).
Genomic context (GRCh38, chr6:79,916,630, plus strand): 5'-TTTCCTCACTGTCAACAACAGTTAAGGCCCAGTTCAATTTAATCTCCTTTTGCTTTTCCA[T>C]TTTTCTGCTTTTTTCCATTTTCTATCATGAGTTGTTTTTCTGATTTGCTCACACCATTTG-3'
Protein context (NP_073563.1, residues 298-314): LMIENGKKQK[Asn308Ser]GKAKGD

ClinVar aggregate classification (germline): Uncertain significance (1 of 4 stars; one submission).

gnomAD v4.1: 7 of 1,614,124 alleles (0.00043%); highest among the groups gnomAD compares: African/African-American, 0.0027%; no homozygotes.

Submission:

Labcorp Genetics (formerly Invitae), Labcorp
Classification: Uncertain significance. Last evaluated: 2025-12-10. Review status: criteria provided, single submitter. Criteria: Invitae Variant Classification Sherloc (09022015). Collection method: clinical testing. Allele origin: germline.
Comment: This sequence change replaces asparagine, which is neutral and polar, with serine, which is neutral and polar, at codon 308 of the ELOVL4 protein (p.Asn308Ser). This variant is present in population databases (rs757186154, gnomAD 0.006%). This variant has not been reported in the literature in individuals affected with ELOVL4-related conditions. Experimental studies and prediction algorithms are not available or were not evaluated, and the functional significance of this variant is currently unknown. In summary, the available evidence is currently insufficient to determine the role of this variant in disease. Therefore, it has been classified as a Variant of Uncertain Significance.